The following is an entry in ClinVar:

ClinVar aggregate classification (germline): Uncertain significance (1 of 4 stars; one submission).

Conditions:
Distal hereditary motor neuropathy type 2. Identifiers: Orphanet 139525, MedGen C3711384, MeSH C580044, MONDO:0015352.

gnomAD v4.1: 1 of 1,613,452 alleles (0.000062%); highest among the groups gnomAD compares: South Asian, 0.0011%; no homozygotes.

Submission:

Labcorp Genetics (formerly Invitae), Labcorp
Classification: Uncertain significance for Distal hereditary motor neuropathy type 2. Last evaluated: 2025-08-15. Review status: criteria provided, single submitter. Criteria: Invitae Variant Classification Sherloc (09022015). Collection method: clinical testing. Allele origin: germline.
Comment: This sequence change replaces valine, which is neutral and non-polar, with isoleucine, which is neutral and non-polar, at codon 74 of the FBXO38 protein (p.Val74Ile). This variant is present in population databases (rs749885240, gnomAD 0.003%). This variant has not been reported in the literature in individuals affected with FBXO38-related conditions. Invitae Evidence Modeling of protein sequence and biophysical properties (such as structural, functional, and spatial information, amino acid conservation, physicochemical variation, residue mobility, and thermodynamic stability) indicates that this missense variant is not expected to disrupt FBXO38 protein function with a negative predictive value of 80%. In summary, the available evidence is currently insufficient to determine the role of this variant in disease. Therefore, it has been classified as a Variant of Uncertain Significance.

NM_205836.3(FBXO38):c.220G>A (p.Val74Ile)

Gene: FBXO38 (F-box protein 38; plus strand). Cytogenetic location: 5q32.
Variant type: single nucleotide variant.
Coding change: c.220G>A on transcript NM_205836.3 (MANE Select); coding-DNA position 220, G replaced by A.
Protein change: p.Val74Ile; replaces valine 74 with isoleucine.
Molecular consequence: missense variant.
Genome position (GRCh38, 1-based): chr5:148,399,090, G>A. VCF-style: chr5-148399090-G-A. GRCh37 (hg19) VCF-style: chr5-147778653-G-A.
Other names: c.220G>A, p.Val74Ile (NM_001271723.2, NM_030793.5); short protein forms V74I.
Identifiers: ClinVar variation 4743920 (VCV004743920.1).